The following is an entry in ClinVar:

NM_001379500.1(COL18A1):c.3011A>G (p.Gln1004Arg)

Genes: COL18A1 (collagen type XVIII alpha 1 chain; plus strand), SLC19A1 (solute carrier family 19 member 1; minus strand). Cytogenetic location: 21q22.3.
Variant type: single nucleotide variant.
Coding change: c.3011A>G on transcript NM_001379500.1 (MANE Select); coding-DNA position 3011, A replaced by G.
Protein change: p.Gln1004Arg; replaces glutamine 1004 with arginine.
Molecular consequence: missense variant.
Genome position (GRCh38, 1-based): chr21:45,505,276, A>G. VCF-style: chr21-45505276-A-G. GRCh37 (hg19) VCF-style: chr21-46925190-A-G.
Other names: c.3542A>G, p.Gln1181Arg (NM_030582.4); c.4247A>G, p.Gln1416Arg (NM_130444.3); short protein forms Q1004R, Q1181R, Q1416R.
Identifiers: ClinVar variation 1448857 (VCV001448857.6), dbSNP rs1478369652, ClinGen allele CA410499646.

ClinVar aggregate classification (germline): Uncertain significance (1 of 4 stars; one submission).

Allele frequency attached by ClinVar (database versions not stated): gnomAD exomes below 0.00001; TOPMed below 0.00001.
gnomAD v4.1: 1 of 1,605,330 alleles (0.000062%); highest among the groups gnomAD compares: Admixed American, 0.0017%; no homozygotes.

Submission:

Labcorp Genetics (formerly Invitae), Labcorp
Classification: Uncertain significance. Last evaluated: 2024-10-08. Review status: criteria provided, single submitter. Criteria: Invitae Variant Classification Sherloc (09022015). Collection method: clinical testing. Allele origin: germline.
Comment: This sequence change replaces glutamine with arginine at codon 1001 of the COL18A1 protein (p.Gln1001Arg). This variant is present in population databases (no rsID available, gnomAD 0.003%). This variant has not been reported in the literature in individuals affected with COL18A1-related conditions. ClinVar contains an entry for this variant (Variation ID: 1448857). Experimental studies and prediction algorithms are not available or were not evaluated, and the functional significance of this variant is currently unknown. In summary, the available evidence is currently insufficient to determine the role of this variant in disease. Therefore, it has been classified as a Variant of Uncertain Significance.